The following is an entry in ClinVar:

ClinVar aggregate classification (germline): Conflicting classifications of pathogenicity. Review status: criteria provided, conflicting classifications (1 of 4 stars). 2 submissions from 2 submitters: Pathogenic (1); Uncertain significance (1). Last evaluated 2025-01-27.

Submissions (2):

Labcorp Genetics (formerly Invitae), Labcorp
Classification: Uncertain significance. Last evaluated: 2025-01-27. Review status: criteria provided, single submitter. Criteria: Invitae Variant Classification Sherloc (09022015). Collection method: clinical testing. Allele origin: germline.
Comment: This sequence change replaces cysteine, which is neutral and slightly polar, with tyrosine, which is neutral and polar, at codon 511 of the NOTCH3 protein (p.Cys511Tyr). This variant is not present in population databases (gnomAD no frequency). This missense change has been observed in individual(s) with clinical features of cerebral arteriopathy with subcortical infarcts and leukoencephalopathy (PMID: 20038773). ClinVar contains an entry for this variant (Variation ID: 872533). Invitae Evidence Modeling of protein sequence and biophysical properties (such as structural, functional, and spatial information, amino acid conservation, physicochemical variation, residue mobility, and thermodynamic stability) indicates that this missense variant is expected to disrupt NOTCH3 protein function with a positive predictive value of 95%. In summary, the available evidence is currently insufficient to determine the role of this variant in disease. Therefore, it has been classified as a Variant of Uncertain Significance.

CeGaT Center for Human Genetics Tuebingen
Classification: Pathogenic. Last evaluated: 2018-03-01. Review status: criteria provided, single submitter. Criteria: CeGaT Center For Human Genetics Tuebingen Variant Classification Criteria Version 2. Collection method: clinical testing. Allele origin: germline. Affected: yes. Observed: 1 variant allele.

Literature cited by the submitters: PubMed 20038773 (cited by Labcorp Genetics (formerly Invitae), Labcorp).

NM_000435.3(NOTCH3):c.1532G>A (p.Cys511Tyr)

Gene: NOTCH3 (notch receptor 3; minus strand). Cytogenetic location: 19p13.12.
Variant type: single nucleotide variant.
Coding change: c.1532G>A on transcript NM_000435.3 (MANE Select); coding-DNA position 1532, G replaced by A.
Protein change: p.Cys511Tyr; replaces cysteine 511 with tyrosine.
Molecular consequence: missense variant.
Genome position (GRCh38, 1-based): chr19:15,187,955, C>T on the plus strand (G>A on the coding strand, the complement: NOTCH3 is on the minus strand). VCF-style: chr19-15187955-C-T. GRCh37 (hg19) VCF-style: chr19-15298766-C-T.
Other names: short protein forms C511Y.
Identifiers: ClinVar variation 872533 (VCV000872533.43), dbSNP rs2046897213, ClinGen allele CA404526500.